The following is an entry in ClinVar:

ClinVar aggregate classification (germline): Benign/Likely benign. Review status: criteria provided, multiple submitters, no conflicts (2 of 4 stars). 11 submissions from 11 submitters: Benign (2); Likely benign (7). 2 of the submissions do not count toward it. Last evaluated 2026-02-04.

Conditions:
Cardiovascular phenotype. Identifiers: MedGen CN230736.
Brugada syndrome (shorter-than-normal QT interval).
Long QT syndrome (LQTS). Identifiers: MedGen C0023976, MeSH D008133, MONDO:0002442. Disease mechanism: loss of function. Inheritance: Various modes of inheritance.

Allele frequency attached by ClinVar (database versions not stated): TOPMed 0.00034; gnomAD 0.00036; 1000 Genomes Project 0.00040; ExAC 0.00049; ESP Exome Variant Server 0.00057; 1000 Genomes Project 30x 0.00062; gnomAD exomes 0.00065.
gnomAD v4.1: 538 of 1,613,700 alleles (0.033%); highest among the groups gnomAD compares: East Asian, 0.033%; 4 homozygotes.

Submissions (11):

Labcorp Genetics (formerly Invitae), Labcorp
Classification: Benign for Long QT syndrome. Last evaluated: 2026-02-04. Review status: criteria provided, single submitter. Criteria: Invitae Variant Classification Sherloc (09022015). Collection method: clinical testing. Allele origin: germline.

Molecular Diagnostic Laboratory for Inherited Cardiovascular Disease, Montreal Heart Institute
Classification: Likely benign. Last evaluated: 2025-04-09. Review status: criteria provided, single submitter. Criteria: ACMG Guidelines, 2015. Collection method: clinical testing. Allele origin: germline. Affected: no.
Comment: BS1:BP4;BP6

Blueprint Genetics
Classification: Likely benign. Last evaluated: 2024-10-03. Review status: criteria provided, single submitter. Criteria: ACMG Guidelines, 2015. Collection method: clinical testing. Allele origin: germline.

CeGaT Center for Human Genetics Tuebingen
Classification: Likely benign. Last evaluated: 2024-03-01. Review status: criteria provided, single submitter. Criteria: CeGaT Center For Human Genetics Tuebingen Variant Classification Criteria Version 2. Collection method: clinical testing. Allele origin: germline. Affected: yes. Observed: 2 variant alleles.
Comment: CACNA1C: BP4

Women's Health and Genetics/Laboratory Corporation of America, LabCorp
Classification: Benign. Last evaluated: 2023-05-08. Review status: criteria provided, single submitter. Criteria: LabCorp Variant Classification Summary - May 2015. Collection method: clinical testing. Allele origin: germline.
Comment: Variant summary: CACNA1C c.5639G>A (p.Arg1880Gln) results in a conservative amino acid change in the encoded protein sequence. Five of five in-silico tools predict a benign effect of the variant on protein function. The variant allele was found at a frequency of 0.00065 in 248942 control chromosomes in the gnomAD database, including 1 homozygotes. The observed variant frequency is approximately 65 fold of the estimated maximal expected allele frequency for a pathogenic variant in CACNA1C causing Timothy Syndrome phenotype (1e-05), strongly suggesting that the variant is benign. To our knowledge, no occurrence of c.5639G>A in individuals affected with Timothy Syndrome and no experimental evidence demonstrating its impact on protein function have been reported. Five clinical diagnostic laboratories have submitted clinical-significance assessments for this variant to ClinVar after 2014 without evidence for independent evaluation. All laboratories classified the variant as benign/likely benign. Based on the evidence outlined above, the variant was classified as benign.

Ambry Genetics
Classification: Likely benign for Cardiovascular phenotype. Last evaluated: 2018-04-09. Review status: criteria provided, single submitter. Criteria: Ambry Variant Classification Scheme 2023. Collection method: clinical testing. Allele origin: germline.

GeneDx
Classification: Likely benign. Last evaluated: 2018-01-23. Review status: criteria provided, single submitter. Criteria: GeneDx Variant Classification (06012015). Collection method: clinical testing. Allele origin: germline. Affected: yes.
Comment: This variant is considered likely benign or benign based on one or more of the following criteria: it is a conservative change, it occurs at a poorly conserved position in the protein, it is predicted to be benign by multiple in silico algorithms, and/or has population frequency not consistent with disease.

ARUP Laboratories, Molecular Genetics and Genomics, ARUP Laboratories
Classification: Likely benign. Last evaluated: 2016-11-22. Review status: criteria provided, single submitter. Criteria: ARUP Molecular Germline Variant Investigation Process. Collection method: clinical testing. Allele origin: germline.

Breakthrough Genomics
Classification: Likely benign. Review status: criteria provided, single submitter. Criteria: ACMG Guidelines, 2015. Collection method: not provided. Allele origin: germline. Inheritance: Autosomal dominant inheritance. Affected: yes.

CSER _CC_NCGL, University of Washington
Classification: Likely benign for Brugada syndrome (shorter-than-normal QT interval). Last evaluated: 2014-06-01. Review status: no assertion criteria provided. Collection method: research. Allele origin: germline. Inheritance: Autosomal dominant inheritance. Study: ESP 6500 variant annotation. Not counted in ClinVar's aggregate classification.
Comment: Variants classified for the Actionable exomic incidental findings in 6503 participants: challenges of variant classification manuscript

Cardiovascular Biomedical Research Unit, Royal Brompton & Harefield NHS Foundation Trust
No classification provided. Review status: no classification provided. Collection method: literature only. Allele origin: germline. Not counted in ClinVar's aggregate classification.
Comment: This variant has been reported in the following publications (PMID:20817017).

Literature cited by the submitters: PubMed 20817017 (cited by Ambry Genetics and Cardiovascular Biomedical Research Unit, Royal Brompton & Harefield NHS Foundation Trust); PubMed 23414114 (cited by Ambry Genetics); PubMed 24055113 (cited by Ambry Genetics); PubMed 25637381 (cited by Ambry Genetics); PubMed 22581653 (cited by Cardiovascular Biomedical Research Unit, Royal Brompton & Harefield NHS Foundation Trust).

NM_000719.7(CACNA1C):c.5639G>A (p.Arg1880Gln)

Genes: CACNA1C (calcium voltage-gated channel subunit alpha1 C; plus strand), CACNA1C-AS1 (CACNA1C antisense RNA 1; minus strand). Cytogenetic location: 12p13.33.
Variant type: single nucleotide variant.
Coding change: c.5639G>A on transcript NM_000719.7 (MANE Select); coding-DNA position 5639, G replaced by A.
Protein change: p.Arg1880Gln; replaces arginine 1880 with glutamine.
Molecular consequence: missense variant.
Genome position (GRCh38, 1-based): chr12:2,685,801, G>A. VCF-style: chr12-2685801-G-A. GRCh37 (hg19) VCF-style: chr12-2794967-G-A.
Other names: p.R1880Q:CGG>CAG; c.5639G>A (LRG_334t1); c.5783G>A, p.Arg1928Gln (NM_001129827.2); c.5762G>A, p.Arg1921Gln (NM_001129829.2); c.5744G>A, p.Arg1915Gln (NM_001129830.3, NM_001167624.3); c.5723G>A, p.Arg1908Gln (NM_001129831.2); c.5699G>A, p.Arg1900Gln (NM_001129832.2); c.5696G>A, p.Arg1899Gln (NM_001129833.2, NM_001129834.2, NM_001129835.2); and 9 more; short protein forms R1880Q, R1915Q, R1928Q, R1897Q, R1888Q, R1908Q, R1921Q, R1963Q.
Identifiers: ClinVar variation 67555 (VCV000067555.89), dbSNP rs182208896, ClinGen allele CA211370.
Genomic context (GRCh38, chr12:2,685,801, plus strand): 5'-CCTACCAGGATGACGAAAATCGGCAACTGACGCTCCCAGAGGAGGACAAGAGGGACATCC[G>A]GCAATCTCCGAAGAGGGGTTTCCTCCGCTCTGCCTCACTAGGTAAATGCACCGCTCGCTC-3'
Protein context (NP_000710.5, residues 1870-1890): TLPEEDKRDI[Arg1880Gln]QSPKRGFLRS